The following is an entry in ClinVar:

NM_000404.4(GLB1):c.1228A>C (p.Lys410Gln)

Gene: GLB1 (galactosidase beta 1; minus strand). Cytogenetic location: 3p22.3.
Variant type: single nucleotide variant.
Coding change: c.1228A>C on transcript NM_000404.4 (MANE Select); coding-DNA position 1228, A replaced by C.
Protein change: p.Lys410Gln; replaces lysine 410 with glutamine.
Molecular consequence: missense variant.
Genome position (GRCh38, 1-based): chr3:33,021,571, T>G on the plus strand (A>C on the coding strand, the complement: GLB1 is on the minus strand). VCF-style: chr3-33021571-T-G. GRCh37 (hg19) VCF-style: chr3-33063063-T-G.
Other names: p.Lys410Gln; c.1138A>C, p.Lys380Gln (NM_001079811.3); c.835A>C, p.Lys279Gln (NM_001135602.3); c.1372A>C, p.Lys458Gln (NM_001317040.2); c.1228A>C, p.Lys410Gln (NM_001393580.1); short protein forms K410Q, K279Q, K458Q, K380Q.
Identifiers: ClinVar variation 2051796 (VCV002051796.2), dbSNP rs779369366, ClinGen allele CA2299467.
Genomic context (GRCh38, chr3:33,021,571, plus strand): 5'-GAAAGCACACTTTTGCAAGTAGAAAAAAGGCGAGGCATTACCTTTGAAGGCCTACCTGTT[T>G]CACCTGGATAAATGTCAAGGGATAAAGGCTTTTGATGGGCCCAGAGGGACACAGAATGTC-3'
Protein context (NP_000395.3, residues 400-420): SLYPLTFIQV[Lys410Gln]QHYGFVLYRT

ClinVar aggregate classification (germline): Uncertain significance. Review status: criteria provided, multiple submitters, no conflicts (2 of 4 stars). 2 submissions from 2 submitters: Uncertain significance (2). Last evaluated 2024-02-12.

Conditions:
GM1 gangliosidosis. Identifiers: Orphanet 354, MedGen C0085131, MONDO:0018149.
Mucopolysaccharidosis, MPS-IV-B (MPS4B). Also called: MORQUIO SYNDROME B; Mucopolysaccharidosis Type IVB (Morquio B Disease); Mucopolysaccharidosis type IV B; Mucopolysaccharidosis Type IVB; Mucopolysaccharidosis type 4B; Mucopolysaccharidosis type IVB (Morquio). Identifiers: Orphanet 309310, Orphanet 582, MedGen C0086652, MONDO:0009660, OMIM 253010.

Allele frequency attached by ClinVar (database versions not stated): gnomAD exomes 0.00002; gnomAD 0.00003; TOPMed 0.00003; ExAC 0.00004.
gnomAD v4.1: 34 of 1,613,712 alleles (0.0021%); highest among the groups gnomAD compares: East Asian, 0.071%; no homozygotes.

Submissions (2):

Mayo Clinic Laboratories, Mayo Clinic
Classification: Uncertain significance. Last evaluated: 2024-02-12. Review status: criteria provided, single submitter. Criteria: ACMG Guidelines, 2015. Collection method: clinical testing. Allele origin: germline. Observed: 1 variant allele.

Labcorp Genetics (formerly Invitae), Labcorp
Classification: Uncertain significance for Mucopolysaccharidosis, MPS-IV-B; GM1 gangliosidosis. Last evaluated: 2022-06-23. Review status: criteria provided, single submitter. Criteria: Invitae Variant Classification Sherloc (09022015). Collection method: clinical testing. Allele origin: germline.
Comment: This sequence change replaces lysine, which is basic and polar, with glutamine, which is neutral and polar, at codon 410 of the GLB1 protein (p.Lys410Gln). This variant is present in population databases (rs779369366, gnomAD 0.09%). This variant has not been reported in the literature in individuals affected with GLB1-related conditions. Advanced modeling of protein sequence and biophysical properties (such as structural, functional, and spatial information, amino acid conservation, physicochemical variation, residue mobility, and thermodynamic stability) performed at Invitae indicates that this missense variant is expected to disrupt GLB1 protein function. In summary, the available evidence is currently insufficient to determine the role of this variant in disease. Therefore, it has been classified as a Variant of Uncertain Significance.